The following is an entry in ClinVar:

ClinVar aggregate classification (germline): Conflicting classifications of pathogenicity. Review status: criteria provided, conflicting classifications (1 of 4 stars). 4 submissions from 4 submitters: Pathogenic (1); Likely pathogenic (2); Uncertain significance (1). Last evaluated 2026-01-27.

Conditions:
Familial hemophagocytic lymphohistiocytosis 5. Also called: STXBP2-Related Familial Hemophagocytic Lymphohistiocytosis (STXBP2-fHLH). Identifiers: Orphanet 540, MedGen C2751293, MONDO:0013135, OMIM 613101.

Allele frequency attached by ClinVar (database versions not stated): gnomAD 0.00004; ExAC 0.00005; gnomAD exomes 0.00006; TOPMed 0.00006.
gnomAD v4.1: 92 of 1,614,176 alleles (0.0057%); highest among the groups gnomAD compares: Non-Finnish European, 0.0037%; no homozygotes.

Submissions (4):

Labcorp Genetics (formerly Invitae), Labcorp
Classification: Pathogenic for Familial hemophagocytic lymphohistiocytosis 5. Last evaluated: 2026-01-27. Review status: criteria provided, single submitter. Criteria: Invitae Variant Classification Sherloc (09022015). Collection method: clinical testing. Allele origin: germline.
Comment: This sequence change replaces proline, which is neutral and non-polar, with leucine, which is neutral and non-polar, at codon 334 of the STXBP2 protein (p.Pro334Leu). This variant is present in population databases (rs747031778, gnomAD 0.1%). This missense change has been observed in individual(s) with familial hemophagocytic lymphohistiocytosis type 5 (PMID: 22336081, 22791290, 27379089, 28399723, 29599780). In at least one individual the data is consistent with being in trans (on the opposite chromosome) from a pathogenic variant. ClinVar contains an entry for this variant (Variation ID: 852094). Invitae Evidence Modeling of protein sequence and biophysical properties (such as structural, functional, and spatial information, amino acid conservation, physicochemical variation, residue mobility, and thermodynamic stability) indicates that this missense variant is expected to disrupt STXBP2 protein function with a positive predictive value of 95%. Experimental studies are conflicting or provide insufficient evidence to determine the effect of this variant on STXBP2 function (PMID: 24194549). For these reasons, this variant has been classified as Pathogenic.

Women's Health and Genetics/Laboratory Corporation of America, LabCorp
Classification: Uncertain significance. Last evaluated: 2025-05-22. Review status: criteria provided, single submitter. Criteria: LabCorp Variant Classification Summary - May 2015. Collection method: clinical testing. Allele origin: germline.
Comment: Variant summary: STXBP2 c.1001C>T (p.Pro334Leu) results in a non-conservative amino acid change in the encoded protein sequence. Algorithms developed to predict the effect of missense changes on protein structure and function all suggest that this variant is likely to be disruptive. The variant allele was found at a frequency of 6.4e-05 in 251474 control chromosomes. This frequency is not significantly higher than estimated for a pathogenic variant in STXBP2 causing Familial Hemophagocytic Lymphohistiocytosis (6.4e-05 vs 0.0022), allowing no conclusion about variant significance. c.1001C>T has been reported in the literature in individuals affected with Familial Hemophagocytic Lymphohistiocytosis, suspected rare inherited bleeding disorders and common variable immunodeficiency (Saltzman_2012, Maffucci_2016, Leine_2017, Lopez_2018), and at-least one of these individuals were reported as a late onset case (Minson_2021). Functional studies report experimental evidence evaluating an impact on protein function and showed no damaging effect of this variant (Hackmann_2013, Fager Ferrari_2017) or 67% of wild-type activity (Noori_2023). Taken together these data suggest that pathogenicity of this variant is evident when the variant in trans is a null allele. The following publications have been ascertained in the context of this evaluation (PMID: 28399723, 24194549, 28748566, 29599780, 30104219, 27379089, 34336208, 36706356, 22336081, 37647632). ClinVar contains an entry for this variant (Variation ID: 852094). Based on the evidence outlined above, the variant was classified as VUS-possibly pathogenic.

Fulgent Genetics
Classification: Likely pathogenic for Familial hemophagocytic lymphohistiocytosis 5. Last evaluated: 2024-05-04. Review status: criteria provided, single submitter. Criteria: ACMG Guidelines, 2015. Collection method: clinical testing. Allele origin: germline.

Mayo Clinic Laboratories, Mayo Clinic
Classification: Likely pathogenic. Last evaluated: 2023-05-16. Review status: criteria provided, single submitter. Criteria: ACMG Guidelines, 2015. Collection method: clinical testing. Allele origin: germline. Observed: 1 variant allele.
Comment: PM1, PM3, PS3_moderate, PS4_moderate

Literature cited by the submitters: PubMed 22336081 (cited by 3 submitters); PubMed 22791290 (cited by Labcorp Genetics (formerly Invitae), Labcorp); PubMed 27379089 (cited by 3 submitters); PubMed 28399723 (cited by 3 submitters); PubMed 29599780 (cited by 3 submitters); PubMed 24194549 (cited by 3 submitters); PubMed 28748566 (cited by Women's Health and Genetics/Laboratory Corporation of America, LabCorp); PubMed 30104219 (cited by Women's Health and Genetics/Laboratory Corporation of America, LabCorp); PubMed 36706356 (cited by Women's Health and Genetics/Laboratory Corporation of America, LabCorp and Mayo Clinic Laboratories, Mayo Clinic); PubMed 34336208 (cited by Women's Health and Genetics/Laboratory Corporation of America, LabCorp and Mayo Clinic Laboratories, Mayo Clinic); PubMed 37647632 (cited by Women's Health and Genetics/Laboratory Corporation of America, LabCorp); PubMed 20102228 (cited by Mayo Clinic Laboratories, Mayo Clinic).

NM_006949.4(STXBP2):c.1001C>T (p.Pro334Leu)

Gene: STXBP2 (syntaxin binding protein 2; plus strand). Cytogenetic location: 19p13.2.
Variant type: single nucleotide variant.
Coding change: c.1001C>T on transcript NM_006949.4 (MANE Select); coding-DNA position 1001, C replaced by T.
Protein change: p.Pro334Leu; replaces proline 334 with leucine.
Molecular consequence: missense variant. On other transcripts: non-coding transcript variant (1).
Genome position (GRCh38, 1-based): chr19:7,643,023, C>T. VCF-style: chr19-7643023-C-T. GRCh37 (hg19) VCF-style: chr19-7707909-C-T.
Other names: p.Pro334Leu; c.992C>T, p.Pro331Leu (NM_001127396.3); c.1034C>T, p.Pro345Leu (NM_001272034.2); short protein forms P331L, P334L, P345L.
Identifiers: ClinVar variation 852094 (VCV000852094.20), dbSNP rs747031778, ClinGen allele CA9143922.